The following is an entry in ClinVar:

NM_014795.4(ZEB2):c.2740C>A (p.Gln914Lys)

Gene: ZEB2 (zinc finger E-box binding homeobox 2; minus strand). Cytogenetic location: 2q22.3.
Variant type: single nucleotide variant.
Coding change: c.2740C>A on transcript NM_014795.4 (MANE Select); coding-DNA position 2740, C replaced by A.
Protein change: p.Gln914Lys; replaces glutamine 914 with lysine.
Molecular consequence: missense variant.
Genome position (GRCh38, 1-based): chr2:144,398,447, G>T on the plus strand (C>A on the coding strand, the complement: ZEB2 is on the minus strand). VCF-style: chr2-144398447-G-T. GRCh37 (hg19) VCF-style: chr2-145156014-G-T.
Other names: c.2668C>A, p.Gln890Lys (NM_001171653.2); short protein forms Q890K, Q914K.
Identifiers: ClinVar variation 1802015 (VCV001802015.1), dbSNP rs1038288183, ClinGen allele CA348707166.

ClinVar aggregate classification (germline): Uncertain significance (1 of 4 stars; one submission).

Submission:

GeneDx
Classification: Uncertain significance. Last evaluated: 2022-12-02. Review status: criteria provided, single submitter. Criteria: GeneDx Variant Classification Process June 2021. Collection method: clinical testing. Allele origin: germline. Affected: yes.
Comment: Not observed at significant frequency in large population cohorts (gnomAD); In silico analysis supports that this missense variant does not alter protein structure/function; Has not been previously published as pathogenic or benign to our knowledge